The following is an entry in ClinVar:

NM_018486.3(HDAC8):c.445G>C (p.Ala149Pro)

Gene: HDAC8 (histone deacetylase 8; minus strand). Cytogenetic location: Xq13.1.
Variant type: single nucleotide variant.
Coding change: c.445G>C on transcript NM_018486.3 (MANE Select); coding-DNA position 445, G replaced by C.
Protein change: p.Ala149Pro; replaces alanine 149 with proline.
Molecular consequence: missense variant. On other transcripts: non-coding transcript variant (1).
Genome position (GRCh38, 1-based): chrX:72,495,261, C>G on the plus strand (G>C on the coding strand, the complement: HDAC8 is on the minus strand). VCF-style: chrX-72495261-C-G. GRCh37 (hg19) VCF-style: chrX-71715111-C-G.
Other names: c.445G>C, p.Ala149Pro (NM_001410725.1, NM_001410727.1, NM_001410729.1 and 2 more transcripts); c.172G>C, p.Ala58Pro (NM_001410728.1, NM_001166418.2, NM_001166448.2); short protein forms A149P, A58P.
Identifiers: ClinVar variation 4071792 (VCV004071792.1).

ClinVar aggregate classification (germline): Uncertain significance (1 of 4 stars; one submission).

Submission:

GeneDx
Classification: Uncertain significance. Last evaluated: 2025-01-23. Review status: criteria provided, single submitter. Criteria: GeneDx Variant Classification Process June 2021. Collection method: clinical testing. Allele origin: germline. Affected: yes.
Comment: Not observed at significant frequency in large population cohorts (gnomAD); In silico analysis supports that this missense variant has a deleterious effect on protein structure/function; Has not been previously published as pathogenic or benign to our knowledge